The following is an entry in ClinVar:

ClinVar aggregate classification (germline): Uncertain significance (1 of 4 stars; one submission).

Submission:

Dasa
Classification: Uncertain significance. Last evaluated: 2026-05-18. Review status: criteria provided, single submitter. Criteria: DASA Assertion Criteria. Collection method: clinical testing. Allele origin: germline.
Comment: NM_207037.2(TCF12):c.1447A>C (p.Ser483Arg) is a missense variant that results in the substitution of serine with arginine. This variant is rare in population databases. Computational prediction algorithms are consistent with a benign effect. The currently available literature and clinical evidence are not sufficient to establish a definitive association between this variant and the reported condition. Therefore, this variant is classified as a variant of uncertain significance.

NM_207037.2(TCF12):c.1447A>C (p.Ser483Arg)

Gene: TCF12 (transcription factor 12; plus strand). Cytogenetic location: 15q21.3.
Variant type: single nucleotide variant.
Coding change: c.1447A>C on transcript NM_207037.2 (MANE Select); coding-DNA position 1447, A replaced by C.
Protein change: p.Ser483Arg; replaces serine 483 with arginine.
Molecular consequence: missense variant.
Genome position (GRCh38, 1-based): chr15:57,253,448, A>C. VCF-style: chr15-57253448-A-C. GRCh37 (hg19) VCF-style: chr15-57545646-A-C.
Other names: c.1447A>C, p.Ser483Arg (NM_001322151.2, NM_001322152.2, NM_001322159.3 and 2 more transcripts); c.790A>C, p.Ser264Arg (NM_001322154.2); c.1273A>C, p.Ser425Arg (NM_001322156.2); c.1375A>C, p.Ser459Arg (NM_001322157.3, NM_001322165.2, NM_003205.4 and 1 more transcripts); c.1201A>C, p.Ser401Arg (NM_001322158.2); c.1444A>C, p.Ser482Arg (NM_001322161.2); c.1411A>C, p.Ser471Arg (NM_001322164.2); c.865A>C, p.Ser289Arg (NM_207040.2); and 2 more; short protein forms S223R, S264R, S289R, S313R, S401R, S425R, S459R, S471R.
Identifiers: ClinVar variation 5020546 (VCV005020546.1).